The following is an entry in ClinVar:

NM_000421.5(KRT10):c.657C>A (p.Asn219Lys)

Genes: KRT10 (keratin 10; minus strand), KRT10-AS1 (KRT10 antisense RNA 1; plus strand). Cytogenetic location: 17q21.2.
Variant type: single nucleotide variant.
Coding change: c.657C>A on transcript NM_000421.5 (MANE Select); coding-DNA position 657, C replaced by A.
Protein change: p.Asn219Lys; replaces asparagine 219 with lysine.
Molecular consequence: missense variant.
Genome position (GRCh38, 1-based): chr17:40,821,088, G>T on the plus strand (C>A on the coding strand, the complement: KRT10 is on the minus strand). VCF-style: chr17-40821088-G-T. GRCh37 (hg19) VCF-style: chr17-38977340-G-T.
Other names: c.657C>A, p.Asn219Lys (NM_001379366.1); short protein forms N219K.
Identifiers: ClinVar variation 2002339 (VCV002002339.4), dbSNP rs1905355563, ClinGen allele CA399394025.
Genomic context (GRCh38, chr17:40,821,088, plus strand): 5'-AACTTACTTCAGCCTGAAGTCATCAGCTGCCAGCCTGGCATTGTCGATCTGAAGCAGGAT[G>T]TTGGCATTATCAGTTGTTAGGTTGAGAATCTGGAGGGAGAGGCACAGTTATTTGAGAAGA-3'
Protein context (NP_000412.4, residues 209-229): QILNLTTDNA[Asn219Lys]ILLQIDNARL

ClinVar aggregate classification (germline): Uncertain significance (1 of 4 stars; one submission).

Allele frequency attached by ClinVar (database versions not stated): gnomAD exomes below 0.00001.

Submission:

Labcorp Genetics (formerly Invitae), Labcorp
Classification: Uncertain significance. Last evaluated: 2022-10-24. Review status: criteria provided, single submitter. Criteria: Invitae Variant Classification Sherloc (09022015). Collection method: clinical testing. Allele origin: germline.
Comment: In summary, the available evidence is currently insufficient to determine the role of this variant in disease. Therefore, it has been classified as a Variant of Uncertain Significance. This sequence change replaces asparagine, which is neutral and polar, with lysine, which is basic and polar, at codon 219 of the KRT10 protein (p.Asn219Lys). This variant is not present in population databases (gnomAD no frequency). Advanced modeling of protein sequence and biophysical properties (such as structural, functional, and spatial information, amino acid conservation, physicochemical variation, residue mobility, and thermodynamic stability) performed at Invitae indicates that this missense variant is not expected to disrupt KRT10 protein function. This variant has not been reported in the literature in individuals affected with KRT10-related conditions.